The following is an entry in ClinVar:

ClinVar aggregate classification (germline): Uncertain significance. Review status: criteria provided, single submitter (1 of 4 stars). 2 submissions from 2 submitters: Uncertain significance (1). 1 of the submissions does not count toward it. Last evaluated 2022-06-02.

Conditions:
Intellectual developmental disorder, X-linked 97. Also called: Intellectual disability, X-linked 97. Identifiers: Orphanet 777, MedGen C2749020, MONDO:0010430, OMIM 300803.
ZNF711-related disorder. Also called: ZNF711-related condition.

Allele frequency attached by ClinVar (database versions not stated): ExAC 0.00006; ESP Exome Variant Server 0.00009; TOPMed 0.00011; gnomAD 0.00012; gnomAD exomes 0.00024.
gnomAD v4.1: 290 of 1,209,684 alleles (0.024%); highest among the groups gnomAD compares: Non-Finnish European, 0.03%; no homozygotes.

Submissions (2):

Revvity Omics, Revvity
Classification: Uncertain significance for Intellectual developmental disorder, X-linked 97. Last evaluated: 2022-06-02. Review status: criteria provided, single submitter. Criteria: ACMG Guidelines, 2015. Collection method: clinical testing. Allele origin: germline.

PreventionGenetics, part of Exact Sciences
Classification: Likely benign for ZNF711-related condition. Last evaluated: 2023-04-22. Review status: no assertion criteria provided. Collection method: clinical testing. Allele origin: germline. Not counted in ClinVar's aggregate classification.
Comment: This variant is classified as likely benign based on ACMG/AMP sequence variant interpretation guidelines (Richards et al. 2015 PMID: 25741868, with internal and published modifications).

NM_001330574.2(ZNF711):c.416G>A (p.Gly139Glu)

Gene: ZNF711 (ZFX family zinc finger ZNF711; plus strand). Cytogenetic location: Xq21.1.
Variant type: single nucleotide variant.
Coding change: c.416G>A on transcript NM_001330574.2 (MANE Select); coding-DNA position 416, G replaced by A.
Protein change: p.Gly139Glu; replaces glycine 139 with glutamic acid.
Molecular consequence: missense variant.
Genome position (GRCh38, 1-based): chrX:85,255,595, G>A. VCF-style: chrX-85255595-G-A. GRCh37 (hg19) VCF-style: chrX-84510601-G-A.
Other names: c.416G>A, p.Gly139Glu (NM_001375431.1, NM_001375432.1, NM_001375433.1 and 5 more transcripts); c.416G>A (NM_021998.4); short protein forms G139E.
Identifiers: ClinVar variation 2438692 (VCV002438692.5), dbSNP rs367654949, ClinGen allele CA10464615.
Genomic context (GRCh38, chrX:85,255,595, plus strand): 5'-CAGAAACCGTTAGGGTACCAGAGCAGGTTTTCGTGGCTGACCTTGTTACTGGTCCTAATG[G>A]ACACTTAGAACATGTGGTCCAAGATTGTGTTTCAGGAGTCGACTCTCCCACAATGGTATC-3'
Protein context (NP_001317503.1, residues 129-149): FVADLVTGPN[Gly139Glu]HLEHVVQDCV